The following is an entry in ClinVar:

ClinVar aggregate classification (germline): Likely pathogenic (1 of 4 stars; one submission).

Allele frequency attached by ClinVar (database versions not stated): gnomAD exomes below 0.00001; TOPMed 0.00002; gnomAD 0.00002.

Submission:

GeneDx
Classification: Likely pathogenic. Last evaluated: 2024-10-14. Review status: criteria provided, single submitter. Criteria: GeneDx Variant Classification Process June 2021. Collection method: clinical testing. Allele origin: germline.
Comment: Nonsense variant predicted to result in protein truncation or nonsense mediated decay in a gene for which loss-of-function is a known mechanism of disease; Not observed at significant frequency in large population cohorts (gnomAD); Has not been previously published as pathogenic or benign to our knowledge

NM_001136035.4(TRMT1):c.1137del (p.Pro379_Val380insTer)

Gene: TRMT1 (tRNA methyltransferase 1; minus strand). Cytogenetic location: 19p13.13.
Variant type: Deletion.
Coding change: c.1137del on transcript NM_001136035.4 (MANE Select); coding-DNA position 1137, one base deleted (T; older notation c.1137delT).
Protein change: p.Pro379_Val380insTer.
Molecular consequence: frameshift variant.
Genome position (GRCh38, 1-based): chr19:13,109,808, A deleted on the plus strand (T on the coding strand, the reverse complement: TRMT1 is on the minus strand). VCF-style (leftmost placement, unchanged base first): chr19-13109807-CA-C. GRCh37 (hg19) VCF-style: chr19-13220621-CA-C.
Other names: c.1050del, p.Pro350_Val351insTer (NM_001142554.3, NM_001351760.2); c.1029del, p.Pro343_Val344insTer (NM_001351761.2); c.354del, p.Pro118_Val119insTer (NM_001351762.2); c.1137del, p.Pro379_Val380insTer (NM_017722.5); c.1137del (NM_001136035.2).
Identifiers: ClinVar variation 2662956 (VCV002662956.2), dbSNP rs1244833672, ClinGen allele CA632122474.
Genomic context (GRCh38, chr19:13,109,807, plus strand): 5'-GCCTCCCCTGGCCTAGCCCTACCTGGTGTCGTTGCCCACAGTGTTCACACTCGGGGGTCA[CA>C]GGGGGACCACAGGCTGCAGAGAACTTGGCCCTAAACAGAGAGGGGTGGTTGGTGGGGAGG-3'